The following is an entry in ClinVar:

NM_001844.5(COL2A1):c.2947_2948dup (p.Gly984fs)

Gene: COL2A1 (collagen type II alpha 1 chain; minus strand). Cytogenetic location: 12q13.11.
Variant type: Duplication.
Coding change: c.2947_2948dup on transcript NM_001844.5 (MANE Select); coding-DNA positions 2947 to 2948, 2 bases duplicated (GT; older notation c.2947_2948dupGT).
Protein change: p.Gly984fs; shifts the reading frame from glycine 984.
Molecular consequence: frameshift variant.
Genome position (GRCh38, 1-based): chr12:47,978,346-47,978,347, AC duplicated on the plus strand (GT on the coding strand, the reverse complement: COL2A1 is on the minus strand). VCF-style (leftmost placement, unchanged base first): chr12-47978345-G-GAC. GRCh37 (hg19) VCF-style: chr12-48372128-G-GAC.
Other names: c.2740_2741dup, p.Gly915fs (NM_033150.3); short protein forms G915fs, G984fs.
Identifiers: ClinVar variation 2022672 (VCV002022672.4), dbSNP rs2540111821, ClinGen allele CA2580085521.
Genomic context (GRCh38, chr12:47,978,345, plus strand): 5'-ACTCACCGACGGGCCAGGCAAGCCAGGGAATCCTCTCTCACCACGTTGCCCAGGCAGACC[G>GAC]ACGATGCCTCTCTGACCAGCCAGACCCTGGGGACCTGGTGGACCTTCGGCACCCTGAGAG-3'

ClinVar aggregate classification (germline): Pathogenic (1 of 4 stars; one submission).

Submission:

Labcorp Genetics (formerly Invitae), Labcorp
Classification: Pathogenic. Last evaluated: 2022-08-22. Review status: criteria provided, single submitter. Criteria: Invitae Variant Classification Sherloc (09022015). Collection method: clinical testing. Allele origin: germline.
Comment: This sequence change creates a premature translational stop signal (p.Gly984Serfs*45) in the COL2A1 gene. It is expected to result in an absent or disrupted protein product. Loss-of-function variants in COL2A1 are known to be pathogenic (PMID: 20179744). This variant is not present in population databases (gnomAD no frequency). This variant has not been reported in the literature in individuals affected with COL2A1-related conditions. For these reasons, this variant has been classified as Pathogenic.

Literature cited by the submitters: PubMed 20179744.